The following is an entry in ClinVar:

ClinVar aggregate classification (germline): Uncertain significance (1 of 4 stars; one submission).

Conditions:
ACVR2B-related disorder. Also called: ACVR2B-related condition.

Submission:

PreventionGenetics, part of Exact Sciences
Classification: Uncertain significance for ACVR2B-related condition. Last evaluated: 2026-01-26. Review status: criteria provided, single submitter. Criteria: ACMG Guidelines, 2015. Collection method: clinical testing. Allele origin: germline.
Comment: The ACVR2B c.487C>T variant is predicted to result in the amino acid substitution p.Arg163Cys. To our knowledge, this variant has not been reported in the literature. This variant is reported in 0.012% of alleles in individuals of African descent in gnomAD. At this time, the clinical significance of this variant is uncertain due to the absence of conclusive functional and genetic evidence.

NM_001106.4(ACVR2B):c.487C>T (p.Arg163Cys)

Gene: ACVR2B (activin A receptor type 2B; plus strand). Cytogenetic location: 3p22.2.
Variant type: single nucleotide variant.
Coding change: c.487C>T on transcript NM_001106.4 (MANE Select); coding-DNA position 487, C replaced by T.
Protein change: p.Arg163Cys; replaces arginine 163 with cysteine.
Molecular consequence: missense variant.
Genome position (GRCh38, 1-based): chr3:38,478,257, C>T. VCF-style: chr3-38478257-C-T. GRCh37 (hg19) VCF-style: chr3-38519748-C-T.
Other names: short protein forms R163C.
Identifiers: ClinVar variation 4993456 (VCV004993456.1).